The following is an entry in ClinVar:

NM_014391.3(ANKRD1):c.155del (p.Pro52fs)

Gene: ANKRD1 (ankyrin repeat domain 1; minus strand). Cytogenetic location: 10q23.31.
Variant type: Deletion.
Coding change: c.155del on transcript NM_014391.3 (MANE Select); coding-DNA position 155, one base deleted (C; older notation c.155delC).
Protein change: p.Pro52fs; shifts the reading frame from proline 52.
Molecular consequence: frameshift variant.
Genome position (GRCh38, 1-based): chr10:90,920,221, G deleted on the plus strand (C on the coding strand, the reverse complement: ANKRD1 is on the minus strand); the first of 3 consecutive G bases (chr10:90,920,221-90,920,223); deleting any one gives the same sequence. VCF-style (leftmost placement, unchanged base first): chr10-90920220-AG-A. GRCh37 (hg19) VCF-style: chr10-92679977-AG-A.
Other names: c.155delC (NM_014391.3); short protein forms P52fs.
Identifiers: ClinVar variation 2777857 (VCV002777857.5), dbSNP rs763740281, ClinGen allele CA5598831.

ClinVar aggregate classification (germline): Uncertain significance. Review status: criteria provided, multiple submitters, no conflicts (2 of 4 stars). 2 submissions from 2 submitters: Uncertain significance (2). Last evaluated 2024-03-04.

Conditions:
ANKRD1-related dilated cardiomyopathy. Identifiers: MedGen CN119551.

Submissions (2):

Women's Health and Genetics/Laboratory Corporation of America, LabCorp
Classification: Uncertain significance. Last evaluated: 2024-03-04. Review status: criteria provided, single submitter. Criteria: LabCorp Variant Classification Summary - May 2015. Collection method: clinical testing. Allele origin: germline.
Comment: Variant summary: ANKRD1 c.155delC (p.Pro52LeufsX2) results in a premature termination codon, predicted to cause absence of the protein due to nonsense mediated decay, however the molecular mechanism of disease attributed to ANKRD1 is currently unknown. The variant allele was found at a frequency of 8e-06 in 251314 control chromosomes (gnomAD). The available data on variant occurrences in the general population are insufficient to allow any conclusion about variant significance. To our knowledge, no occurrence of c.155delC in individuals affected with Cardiomyopathy and no experimental evidence demonstrating its impact on protein function have been reported. ClinVar contains an entry for this variant (Variation ID: 2777857). Based on the evidence outlined above, the variant was classified as uncertain significance.

Labcorp Genetics (formerly Invitae), Labcorp
Classification: Uncertain significance for ANKRD1-related dilated cardiomyopathy. Last evaluated: 2023-11-21. Review status: criteria provided, single submitter. Criteria: Invitae Variant Classification Sherloc (09022015). Collection method: clinical testing. Allele origin: germline.
Comment: This sequence change creates a premature translational stop signal (p.Pro52Leufs*2) in the ANKRD1 gene. It is expected to result in an absent or disrupted protein product. However, the current clinical and genetic evidence is not sufficient to establish whether loss-of-function variants in ANKRD1 cause disease. This variant is present in population databases (rs763740281, gnomAD 0.003%). This variant has not been reported in the literature in individuals affected with ANKRD1-related conditions. Experimental studies and prediction algorithms are not available or were not evaluated, and the functional significance of this variant is currently unknown. In summary, the available evidence is currently insufficient to determine the role of this variant in disease. Therefore, it has been classified as a Variant of Uncertain Significance.